The following is an entry in ClinVar:

ClinVar aggregate classification (germline): Uncertain significance (1 of 4 stars; one submission).

Conditions:
Dilated cardiomyopathy 1G (CMD1G). Identifiers: Orphanet 154, MedGen C1858763, MONDO:0011400, OMIM 604145.
Autosomal recessive limb-girdle muscular dystrophy type 2J (LGMDR10). Also called: Limb-girdle muscular dystrophy, type 2J; MUSCULAR DYSTROPHY, LIMB-GIRDLE, AUTOSOMAL RECESSIVE 10. Identifiers: Orphanet 140922, MedGen C1837342, MONDO:0012127, OMIM 608807.

Allele frequency attached by ClinVar (database versions not stated): gnomAD exomes below 0.00001; gnomAD 0.00001; TOPMed 0.00001.
gnomAD v4.1: 4 of 1,613,844 alleles (0.00025%); highest among the groups gnomAD compares: African/African-American, 0.0027%; no homozygotes.

Submission:

Labcorp Genetics (formerly Invitae), Labcorp
Classification: Uncertain significance for Dilated cardiomyopathy 1G; Autosomal recessive limb-girdle muscular dystrophy type 2J. Last evaluated: 2019-06-20. Review status: criteria provided, single submitter. Criteria: Invitae Variant Classification Sherloc (09022015). Collection method: clinical testing. Allele origin: germline.
Comment: Algorithms developed to predict the effect of missense changes on protein structure and function are unavailable for the TTN gene. This variant is located in the M band of TTN (PMID: 25589632). Variants in this region may be relevant for neuromuscular disorders, but have not been definitively shown to cause cardiomyopathy (PMID: 23975875). This variant is not present in population databases (ExAC no frequency). In summary, the available evidence is currently insufficient to determine the role of this variant in disease. Therefore, it has been classified as a Variant of Uncertain Significance. This variant has not been reported in the literature in individuals with TTN-related conditions. This sequence change replaces glycine with aspartic acid at codon 35933 of the TTN protein (p.Gly35933Asp). There is a moderate physicochemical difference between glycine and aspartic acid.

Literature cited by the submitters: PubMed 25589632; PubMed 23975875.

NM_001267550.2(TTN):c.107798G>A (p.Gly35933Asp)

Genes: TTN (titin; minus strand), TTN-AS1 (TTN antisense RNA 1; plus strand). Cytogenetic location: 2q31.2.
Variant type: single nucleotide variant.
Coding change: c.107798G>A on transcript NM_001267550.2 (MANE Select); coding-DNA position 107798, G replaced by A.
Protein change: p.Gly35933Asp; replaces glycine 35933 with aspartic acid.
Molecular consequence: missense variant.
Genome position (GRCh38, 1-based): chr2:178,527,190, C>T on the plus strand (G>A on the coding strand, the complement: TTN is on the minus strand). VCF-style: chr2-178527190-C-T. GRCh37 (hg19) VCF-style: chr2-179391917-C-T.
Other names: c.102875G>A, p.Gly34292Asp (NM_001256850.1); c.80603G>A, p.Gly26868Asp (NM_003319.4); c.100094G>A, p.Gly33365Asp (NM_133378.4); c.80978G>A, p.Gly26993Asp (NM_133432.3); c.81179G>A, p.Gly27060Asp (NM_133437.4); short protein forms G26993D, G26868D, G27060D, G33365D, G34292D, G35933D.
Identifiers: ClinVar variation 935542 (VCV000935542.8), dbSNP rs1686762598, ClinGen allele CA349398999.
Genomic context (GRCh38, chr2:178,527,190, plus strand): 5'-AGGTCATCTGTGTTTTCAATGTGGAACCTCCCCTGTTCTTGACTGTGGATTTTTCTTCCA[C>T]CACAGGACCATGTTACTTCTGGGGTAGGCTCACCCGTGAAAGCACAGGCTACTGTTAGAA-3'
Protein context (NP_001254479.2, residues 35923-35943): EPTPEVTWSC[Gly35933Asp]GRKIHSQEQG